The following is an entry in ClinVar:

NM_000059.4(BRCA2):c.622G>C (p.Val208Leu)

Gene: BRCA2 (BRCA2 DNA repair associated; plus strand). Cytogenetic location: 13q13.1.
Variant type: single nucleotide variant.
Coding change: c.622G>C on transcript NM_000059.4 (MANE Select); coding-DNA position 622, G replaced by C.
Protein change: p.Val208Leu; replaces valine 208 with leucine.
Molecular consequence: missense variant.
Genome position (GRCh38, 1-based): chr13:32,326,604, G>C. VCF-style: chr13-32326604-G-C. GRCh37 (hg19) VCF-style: chr13-32900741-G-C.
Other names: c.622G>C (NM_000059.3); short protein forms V208L.
Identifiers: ClinVar variation 807002 (VCV000807002.51), dbSNP rs1593887544, ClinGen allele CA387758372.
Genomic context (GRCh38, chr13:32,326,604, plus strand): 5'-GTGGATCCTGATATGTCTTGGTCAAGTTCTTTAGCTACACCACCCACCCTTAGTTCTACT[G>C]TGCTCATAGGTAATAATAGCAAATGTGTATTTACAAGAAAGAGCAGATGAGGTTGATAAT-3'
Protein context (NP_000050.3, residues 198-218): LATPPTLSST[Val208Leu]LIVRNEEASE

ClinVar aggregate classification (germline): Conflicting classifications of pathogenicity. Review status: criteria provided, conflicting classifications (1 of 4 stars). 5 submissions from 5 submitters: Uncertain significance (4); Likely benign (1). Last evaluated 2025-12-27.

Conditions:
Hereditary cancer-predisposing syndrome. Also called: Neoplastic Syndromes, Hereditary; Hereditary neoplastic syndrome; Tumor predisposition; Hereditary Cancer Syndrome. Identifiers: Orphanet 140162, MedGen C0027672, MeSH D009386, MONDO:0015356.
Hereditary breast ovarian cancer syndrome. Also called: Hereditary breast and/or ovarian cancer syndrome; BRCA1- and BRCA2-Associated Hereditary Breast and Ovarian Cancer; Hereditary breast and ovarian cancer syndrome; Breast and ovarian cancer; Hereditary breast and ovarian cancer; Hereditary breast and ovarian cancer syndrome (HBOC). Identifiers: Orphanet 145, MedGen C0677776, MeSH D061325, MONDO:0003582. Disease mechanism: loss of function.
Familial cancer of breast. Also called: BREAST CANCER, FAMILIAL; Hereditary breast cancer; hereditary breast carcinoma. Identifiers: Orphanet 227535, MedGen C0346153, MONDO:0016419, OMIM 114480. Disease mechanism: loss of function.

Allele frequency attached by ClinVar (database versions not stated): gnomAD exomes below 0.00001.
gnomAD v4.1: 1 of 1,596,570 alleles (0.000063%); highest among the groups gnomAD compares: Non-Finnish European, 0.000086%; no homozygotes.

Submissions (5):

Labcorp Genetics (formerly Invitae), Labcorp
Classification: Uncertain significance for Hereditary breast ovarian cancer syndrome. Last evaluated: 2025-12-27. Review status: criteria provided, single submitter. Criteria: Invitae Variant Classification Sherloc (09022015). Collection method: clinical testing. Allele origin: germline.
Comment: This sequence change replaces valine, which is neutral and non-polar, with leucine, which is neutral and non-polar, at codon 208 of the BRCA2 protein (p.Val208Leu). This variant is not present in population databases (gnomAD no frequency). This variant has not been reported in the literature in individuals affected with BRCA2-related conditions. ClinVar contains an entry for this variant (Variation ID: 807002). Invitae Evidence Modeling of protein sequence and biophysical properties (such as structural, functional, and spatial information, amino acid conservation, physicochemical variation, residue mobility, and thermodynamic stability) indicates that this missense variant is not expected to disrupt BRCA2 protein function with a negative predictive value of 95%. In summary, the available evidence is currently insufficient to determine the role of this variant in disease. Therefore, it has been classified as a Variant of Uncertain Significance.

Color Diagnostics, LLC DBA Color Health
Classification: Uncertain significance for Hereditary cancer-predisposing syndrome. Last evaluated: 2025-12-15. Review status: criteria provided, single submitter. Criteria: ACMG Guidelines, 2015. Collection method: clinical testing. Allele origin: germline.
Comment: This missense variant replaces valine with leucine at codon 208 of the BRCA2 protein. Computational prediction suggests that this variant may not impact protein structure and function. To our knowledge, functional studies have not been reported for this variant. This variant has not been reported in individuals affected with BRCA2-related disorders in the literature. This variant has been identified in 1/1596570 chromosomes in the general population by the Genome Aggregation Database (gnomAD). The available evidence is insufficient to determine the role of this variant in disease conclusively. Therefore, this variant is classified as a Variant of Uncertain Significance.

Ambry Genetics
Classification: Uncertain significance for Hereditary cancer-predisposing syndrome. Last evaluated: 2024-10-11. Review status: criteria provided, single submitter. Criteria: Ambry Variant Classification Scheme 2023. Collection method: clinical testing. Allele origin: germline.
Comment: The p.V208L variant (also known as c.622G>C), located in coding exon 6 of the BRCA2 gene, results from a G to C substitution at nucleotide position 622. The valine at codon 208 is replaced by leucine, an amino acid with highly similar properties. This amino acid position is highly conserved in available vertebrate species. In addition, this alteration is predicted to be tolerated by in silico analysis. Based on the available evidence, the clinical significance of this variant remains unclear.

MGZ Medical Genetics Center
Classification: Likely benign for Familial cancer of breast. Last evaluated: 2024-02-09. Review status: criteria provided, single submitter. Criteria: CSpec BRCA1/2ACMG Rules Specifications V1.1.0. Collection method: clinical testing. Allele origin: germline. Affected: yes.
Comment: ACMG codes applied following ENIGMA VCEP rules: BP1_STR, PM2_SUP

CeGaT Center for Human Genetics Tuebingen
Classification: Uncertain significance. Last evaluated: 2018-11-01. Review status: criteria provided, single submitter. Criteria: CeGaT Center For Human Genetics Tuebingen Variant Classification Criteria Version 2. Collection method: clinical testing. Allele origin: germline. Affected: yes. Observed: 1 variant allele.